The following is an entry in ClinVar:

ClinVar aggregate classification (germline): Likely benign (0 of 4 stars; one submission).

Conditions:
PIEZO1-related disorder. Also called: PIEZO1-Related Disorders; PIEZO1-related condition.

Allele frequency attached by ClinVar (database versions not stated): gnomAD exomes below 0.00001; TOPMed 0.00002; gnomAD 0.00003.
gnomAD v4.1: 10 of 1,549,504 alleles (0.00065%); highest among the groups gnomAD compares: Middle Eastern, 0.017%; no homozygotes.

Submission:

PreventionGenetics, part of Exact Sciences
Classification: Likely benign for PIEZO1-related condition. Last evaluated: 2022-06-27. Review status: no assertion criteria provided. Collection method: clinical testing. Allele origin: germline.
Comment: This variant is classified as likely benign based on ACMG/AMP sequence variant interpretation guidelines (Richards et al. 2015 PMID: 25741868, with internal and published modifications).

NM_001142864.4(PIEZO1):c.2967C>T (p.Phe989=)

Genes: HSALR1 (HSP90AB1 associated lncRNA 1; plus strand), PIEZO1 (piezo type mechanosensitive ion channel component 1 (Er blood group); minus strand). Cytogenetic location: 16q24.3.
Variant type: single nucleotide variant.
Coding change: c.2967C>T on transcript NM_001142864.4 (MANE Select); coding-DNA position 2967, C replaced by T.
Protein change: p.Phe989=; no amino-acid change (phenylalanine 989 retained).
Molecular consequence: synonymous variant.
Genome position (GRCh38, 1-based): chr16:88,732,359, G>A on the plus strand (C>T on the coding strand, the complement: PIEZO1 is on the minus strand). VCF-style: chr16-88732359-G-A. GRCh37 (hg19) VCF-style: chr16-88798767-G-A.
Other names: c.1509C>T, p.Phe503= (NM_014745.1).
Identifiers: ClinVar variation 3048218 (VCV003048218.2), dbSNP rs924952057, ClinGen allele CA286420344.